The following is an entry in ClinVar:

ClinVar aggregate classification (germline): Benign (1 of 4 stars; one submission).

Conditions:
Episodic ataxia type 1 (EA1). Also called: Episodic ataxia/myokymia syndrome; ATAXIA, EPISODIC, WITH MYOKYMIA; MYOKYMIA WITH PERIODIC ATAXIA; PAROXYSMAL ATAXIA WITH NEUROMYOTONIA, HEREDITARY. Identifiers: Orphanet 37612, Orphanet 972, MedGen C1719788, MONDO:0008047, OMIM 160120.

Allele frequency attached by ClinVar (database versions not stated): TOPMed 0.00015; gnomAD 0.00023 and 0.00024.

Submission:

Illumina Laboratory Services, Illumina
Classification: Benign for Episodic ataxia type 1. Last evaluated: 2017-04-27. Review status: criteria provided, single submitter. Criteria: ICSL Variant Classification Criteria 13 December 2019. Collection method: clinical testing. Allele origin: germline.
Comment: This variant was observed as part of a predisposition screen in an ostensibly healthy population. A literature search was performed for the gene, cDNA change, and amino acid change (where applicable). No publications were found based on this search. Allele frequency data from public databases was too high to be consistent with this variant causing disease. Therefore, this variant is classified as benign.

NM_000217.3(KCNA1):c.*947C>T

Gene: KCNA1 (potassium voltage-gated channel subfamily A member 1; plus strand). Cytogenetic location: 12p13.32.
Variant type: single nucleotide variant.
Coding change: c.*947C>T on transcript NM_000217.3 (MANE Select); 947 bases downstream of the stop codon, C replaced by T.
Molecular consequence: 3 prime UTR variant.
Genome position (GRCh38, 1-based): chr12:4,913,813, C>T. VCF-style: chr12-4913813-C-T. GRCh37 (hg19) VCF-style: chr12-5022979-C-T.
Identifiers: ClinVar variation 884064 (VCV000884064.4), dbSNP rs557429239, ClinGen allele CA231856896.